The following is an entry in ClinVar:

ClinVar aggregate classification (germline): Uncertain significance. Review status: criteria provided, multiple submitters, no conflicts (2 of 4 stars). 2 submissions from 2 submitters: Uncertain significance (2). Last evaluated 2023-04-14.

Conditions:
Hereditary nonpolyposis colorectal neoplasms. Identifiers: MedGen C0009405, MeSH D003123.
Hereditary cancer-predisposing syndrome. Also called: Tumor predisposition; Hereditary Cancer Syndrome; Neoplastic Syndromes, Hereditary; Hereditary neoplastic syndrome. Identifiers: Orphanet 140162, MedGen C0027672, MeSH D009386, MONDO:0015356.

Submissions (2):

Labcorp Genetics (formerly Invitae), Labcorp
Classification: Uncertain significance for Hereditary nonpolyposis colorectal neoplasms. Last evaluated: 2023-04-14. Review status: criteria provided, single submitter. Criteria: Invitae Variant Classification Sherloc (09022015). Collection method: clinical testing. Allele origin: germline.
Comment: This sequence change replaces arginine, which is basic and polar, with serine, which is neutral and polar, at codon 988 of the MSH6 protein (p.Arg988Ser). This variant is not present in population databases (gnomAD no frequency). This variant has not been reported in the literature in individuals affected with MSH6-related conditions. ClinVar contains an entry for this variant (Variation ID: 822369). Advanced modeling of protein sequence and biophysical properties (such as structural, functional, and spatial information, amino acid conservation, physicochemical variation, residue mobility, and thermodynamic stability) performed at Invitae indicates that this missense variant is not expected to disrupt MSH6 protein function. In summary, the available evidence is currently insufficient to determine the role of this variant in disease. Therefore, it has been classified as a Variant of Uncertain Significance.

Ambry Genetics
Classification: Uncertain significance for Hereditary cancer-predisposing syndrome. Last evaluated: 2022-02-28. Review status: criteria provided, single submitter. Criteria: Ambry Variant Classification Scheme 2023. Collection method: clinical testing. Allele origin: germline.
Comment: The p.R988S variant (also known as c.2962C>A), located in coding exon 4 of the MSH6 gene, results from a C to A substitution at nucleotide position 2962. The arginine at codon 988 is replaced by serine, an amino acid with dissimilar properties. This amino acid position is not well conserved in available vertebrate species. In addition, the in silico prediction for this alteration is inconclusive. Since supporting evidence is limited at this time, the clinical significance of this alteration remains unclear.

NM_000179.3(MSH6):c.2962C>A (p.Arg988Ser)

Gene: MSH6 (mutS homolog 6; plus strand). Cytogenetic location: 2p16.3.
Variant type: single nucleotide variant.
Coding change: c.2962C>A on transcript NM_000179.3 (MANE Select); coding-DNA position 2962, C replaced by A.
Protein change: p.Arg988Ser; replaces arginine 988 with serine.
Molecular consequence: missense variant.
Genome position (GRCh38, 1-based): chr2:47,800,945, C>A. VCF-style: chr2-47800945-C-A. GRCh37 (hg19) VCF-style: chr2-48028084-C-A.
Other names: c.2572C>A, p.Arg858Ser (NM_001281492.2); c.2056C>A, p.Arg686Ser (NM_001281493.2, NM_001281494.2); short protein forms R988S, R686S, R858S.
Identifiers: ClinVar variation 822369 (VCV000822369.7), dbSNP rs61753795, ClinGen allele CA346756276.
Genomic context (GRCh38, chr2:47,800,945, plus strand): 5'-GTCTATTGGGGGATTGGTAGGAACCGTTACCAGCTGGAAATTCCTGAGAATTTCACCACT[C>A]GCAATTTGCCAGAAGAATACGAGTTGAAATCTACCAAGAAGGGCTGTAAACGATACTGGA-3'
Protein context (NP_000170.1, residues 978-998): QLEIPENFTT[Arg988Ser]NLPEEYELKS